The following is an entry in ClinVar:

ClinVar aggregate classification (germline): Conflicting classifications of pathogenicity. Review status: criteria provided, conflicting classifications (1 of 4 stars). 5 submissions from 5 submitters: Uncertain significance (4); Likely benign (1). Last evaluated 2025-08-10.

Conditions:
RECQL-related disorder. Also called: RECQL-related condition.

Allele frequency attached by ClinVar (database versions not stated): gnomAD 0.00003 and 0.00005; gnomAD exomes 0.00004 and 0.00008; ExAC 0.00006; TOPMed 0.00010; ESP Exome Variant Server 0.00023.
gnomAD v4.1: 72 of 1,611,532 alleles (0.0045%); highest among the groups gnomAD compares: Admixed American, 0.0083%; no homozygotes.

Submissions (5):

Labcorp Genetics (formerly Invitae), Labcorp
Classification: Uncertain significance. Last evaluated: 2025-08-10. Review status: criteria provided, single submitter. Criteria: Invitae Variant Classification Sherloc (09022015). Collection method: clinical testing. Allele origin: germline.
Comment: This sequence change replaces cysteine, which is neutral and slightly polar, with tyrosine, which is neutral and polar, at codon 321 of the RECQL protein (p.Cys321Tyr). This variant is present in population databases (rs150889040, gnomAD 0.1%), and has an allele count higher than expected for a pathogenic variant. This variant has not been reported in the literature in individuals affected with RECQL-related conditions. ClinVar contains an entry for this variant (Variation ID: 966068). Invitae Evidence Modeling of protein sequence and biophysical properties (such as structural, functional, and spatial information, amino acid conservation, physicochemical variation, residue mobility, and thermodynamic stability) indicates that this missense variant is expected to disrupt RECQL protein function with a positive predictive value of 80%. In summary, the available evidence is currently insufficient to determine the role of this variant in disease. Therefore, it has been classified as a Variant of Uncertain Significance.

Ambry Genetics
Classification: Uncertain significance. Last evaluated: 2024-10-06. Review status: criteria provided, single submitter. Criteria: Ambry Variant Classification Scheme 2023. Collection method: clinical testing. Allele origin: germline.
Comment: The p.C321Y variant (also known as c.962G>A), located in coding exon 8 of the RECQL gene, results from a G to A substitution at nucleotide position 962. The cysteine at codon 321 is replaced by tyrosine, an amino acid with highly dissimilar properties. This variant has been identified in an individual diagnosed with ovarian cancer (Stafford JL et al. PLoS ONE, 2017 Jun;12:e0178450). This amino acid position is well conserved in available vertebrate species. In addition, this alteration is predicted to be deleterious by in silico analysis. Since supporting evidence is limited at this time, the clinical significance of this alteration remains unclear.

GeneDx
Classification: Uncertain significance. Last evaluated: 2024-04-24. Review status: criteria provided, single submitter. Criteria: GeneDx Variant Classification Process June 2021. Collection method: clinical testing. Allele origin: germline. Affected: yes.
Comment: Observed in an individual with ovarian cancer who also carried a pathogenic RAD51D variant (PMID: 28591191); In silico analysis supports that this missense variant has a deleterious effect on protein structure/function; Variants in candidate genes are classified as variants of uncertain significance in accordance with ACMG guidelines (PMID: 25741868); This variant is associated with the following publications: (PMID: 27248010, 19151156, 28591191, 33471991)

Quest Diagnostics Nichols Institute San Juan Capistrano
Classification: Likely benign. Last evaluated: 2022-11-30. Review status: criteria provided, single submitter. Criteria: Quest Diagnostics criteria. Collection method: clinical testing. Allele origin: unknown.

PreventionGenetics, part of Exact Sciences
Classification: Uncertain significance for RECQL-related condition. Last evaluated: 2022-10-04. Review status: criteria provided, single submitter. Criteria: ACMG Guidelines, 2015. Collection method: clinical testing. Allele origin: germline.
Comment: The RECQL c.962G>A variant is predicted to result in the amino acid substitution p.Cys321Tyr. To our knowledge, this variant has not been reported in the literature. This variant is reported in 0.13% of alleles in individuals of Ashkenazi Jewish descent in gnomAD and has been reported as a variant of uncertain significance in ClinVar. At this time, the clinical significance of this variant is uncertain due to the absence of conclusive functional and genetic evidence.

Literature cited by the submitters: PubMed 28591191 (cited by Ambry Genetics); PubMed 33471991 (cited by Quest Diagnostics Nichols Institute San Juan Capistrano).

NM_002907.4(RECQL):c.962G>A (p.Cys321Tyr)

Gene: RECQL (RecQ like helicase; minus strand). Cytogenetic location: 12p12.1.
Variant type: single nucleotide variant.
Coding change: c.962G>A on transcript NM_002907.4 (MANE Select); coding-DNA position 962, G replaced by A.
Protein change: p.Cys321Tyr; replaces cysteine 321 with tyrosine.
Molecular consequence: missense variant.
Genome position (GRCh38, 1-based): chr12:21,475,812, C>T on the plus strand (G>A on the coding strand, the complement: RECQL is on the minus strand). VCF-style: chr12-21475812-C-T. GRCh37 (hg19) VCF-style: chr12-21628746-C-T.
Other names: c.962G>A, p.Cys321Tyr (NM_032941.3); short protein forms C321Y.
Identifiers: ClinVar variation 966068 (VCV000966068.18), dbSNP rs150889040, ClinGen allele CA6478893.